The following is an entry in ClinVar:

NM_002485.5(NBN):c.1441G>C (p.Ala481Pro)

Gene: NBN (nibrin; minus strand). Cytogenetic location: 8q21.3.
Variant type: single nucleotide variant.
Coding change: c.1441G>C on transcript NM_002485.5 (MANE Select); coding-DNA position 1441, G replaced by C.
Protein change: p.Ala481Pro; replaces alanine 481 with proline.
Molecular consequence: missense variant.
Genome position (GRCh38, 1-based): chr8:89,953,648, C>G on the plus strand (G>C on the coding strand, the complement: NBN is on the minus strand). VCF-style: chr8-89953648-C-G. GRCh37 (hg19) VCF-style: chr8-90965876-C-G.
Other names: c.1195G>C, p.Ala399Pro (NM_001024688.3); short protein forms A481P, A399P.
Identifiers: ClinVar variation 1407948 (VCV001407948.10), dbSNP rs2129703568, ClinGen allele CA371655841.

ClinVar aggregate classification (germline): Uncertain significance. Review status: criteria provided, multiple submitters, no conflicts (2 of 4 stars). 2 submissions from 2 submitters: Uncertain significance (2). Last evaluated 2023-08-31.

Conditions:
Hereditary cancer-predisposing syndrome. Also called: Neoplastic Syndromes, Hereditary; Hereditary neoplastic syndrome; Hereditary Cancer Syndrome; Tumor predisposition. Identifiers: Orphanet 140162, MedGen C0027672, MeSH D009386, MONDO:0015356.
Microcephaly, normal intelligence and immunodeficiency (NBS). Also called: Microcephaly with normal intelligence immunodeficiency and lymphoreticular malignancies; Nonsyndromal microcephaly autosomal recessive with normal intelligence; Seemanova syndrome 2; Immunodeficiency, microcephaly with normal intelligence; BERLIN BREAKAGE SYNDROME; SEEMANOVA SYNDROME II. Identifiers: Orphanet 647, MedGen C0398791, MONDO:0009623, OMIM 251260.

Submissions (2):

Ambry Genetics
Classification: Uncertain significance for Hereditary cancer-predisposing syndrome. Last evaluated: 2023-08-31. Review status: criteria provided, single submitter. Criteria: Ambry Variant Classification Scheme 2023. Collection method: clinical testing. Allele origin: germline.
Comment: The p.A481P variant (also known as c.1441G>C), located in coding exon 11 of the NBN gene, results from a G to C substitution at nucleotide position 1441. The alanine at codon 481 is replaced by proline, an amino acid with highly similar properties. This amino acid position is not well conserved in available vertebrate species. In addition, this alteration is predicted to be tolerated by in silico analysis. Since supporting evidence is limited at this time, the clinical significance of this alteration remains unclear.

Labcorp Genetics (formerly Invitae), Labcorp
Classification: Uncertain significance for Microcephaly, normal intelligence and immunodeficiency. Last evaluated: 2022-09-01. Review status: criteria provided, single submitter. Criteria: Invitae Variant Classification Sherloc (09022015). Collection method: clinical testing. Allele origin: germline.
Comment: In summary, the available evidence is currently insufficient to determine the role of this variant in disease. Therefore, it has been classified as a Variant of Uncertain Significance. Algorithms developed to predict the effect of missense changes on protein structure and function (SIFT, PolyPhen-2, Align-GVGD) all suggest that this variant is likely to be tolerated. ClinVar contains an entry for this variant (Variation ID: 1407948). This variant has not been reported in the literature in individuals affected with NBN-related conditions. This variant is not present in population databases (gnomAD no frequency). This sequence change replaces alanine, which is neutral and non-polar, with proline, which is neutral and non-polar, at codon 481 of the NBN protein (p.Ala481Pro).